The following is an entry in ClinVar:

NM_001353345.2(SETD1B):c.2384C>T (p.Pro795Leu)

Gene: SETD1B (SET domain containing 1B, histone lysine methyltransferase; plus strand). Cytogenetic location: 12q24.31.
Variant type: single nucleotide variant.
Coding change: c.2384C>T on transcript NM_001353345.2 (MANE Select); coding-DNA position 2384, C replaced by T.
Protein change: p.Pro795Leu; replaces proline 795 with leucine.
Molecular consequence: missense variant.
Genome position (GRCh38, 1-based): chr12:121,814,599, C>T. VCF-style: chr12-121814599-C-T. GRCh37 (hg19) VCF-style: chr12-122252505-C-T.
Other names: short protein forms P795L.
Identifiers: ClinVar variation 4279849 (VCV004279849.1).
Genomic context (GRCh38, chr12:121,814,599, plus strand): 5'-TCCAGATGCAAACGCAGGTGCTCAGCCGGCTGATGACGGGCCAGGGCGCCTGCCCCTACC[C>T]GCCCTTCATGGCCGCTGCGGCCGCCGCTGCCTCAGCTGGGCTCCAGTTTGTCAACCTGCC-3'
Protein context (NP_001340274.1, residues 785-805): LMTGQGACPY[Pro795Leu]PFMAAAAAAA

ClinVar aggregate classification (germline): Uncertain significance (1 of 4 stars; one submission).

Conditions:
Intellectual developmental disorder with seizures and language delay (IDDSELD). Identifiers: MedGen C5436574, MONDO:0033559, OMIM 619000.

gnomAD v4.1: 14 of 1,536,614 alleles (0.00091%); highest among the groups gnomAD compares: Middle Eastern, 0.017%; no homozygotes.

Submission:

Clinical Genomics Laboratory, Washington University in St. Louis
Classification: Uncertain significance for Intellectual developmental disorder with seizures and language delay. Last evaluated: 2025-08-02. Review status: criteria provided, single submitter. Criteria: ACMG Guidelines, 2015. Collection method: clinical testing. Allele origin: germline.
Comment: The SETD1B c.2384C>T (p.Pro795Leu) variant, to our knowledge, has not been reported in the medical literature. This variant is absent from the general population (gnomAD v2.1.1), indicating it is not a common variant. Computational predictors indicate that the variant is damaging, evidence that correlates with impact to SETD1B function. Due to limited information, and based on ACMG/AMP guidelines for variant interpretation (Richards S et al., PMID: 25741868), the clinical significance of this variant is uncertain at this time.